The following is an entry in ClinVar:

ClinVar aggregate classification (germline): Uncertain significance (1 of 4 stars; one submission).

Conditions:
Werner syndrome (WRN). Identifiers: Orphanet 902, MedGen C0043119, MONDO:0010196, OMIM 277700.

Allele frequency attached by ClinVar (database versions not stated): gnomAD exomes below 0.00001.
gnomAD v4.1: 3 of 1,614,058 alleles (0.00019%); highest among the groups gnomAD compares: Non-Finnish European, 0.00025%; no homozygotes.

Submission:

Labcorp Genetics (formerly Invitae), Labcorp
Classification: Uncertain significance for Werner syndrome. Last evaluated: 2021-01-26. Review status: criteria provided, single submitter. Criteria: Invitae Variant Classification Sherloc (09022015). Collection method: clinical testing. Allele origin: germline.
Comment: In summary, the available evidence is currently insufficient to determine the role of this variant in disease. Therefore, it has been classified as a Variant of Uncertain Significance. Algorithms developed to predict the effect of missense changes on protein structure and function are either unavailable or do not agree on the potential impact of this missense change (SIFT: "Not Available"; PolyPhen-2: "Possibly Damaging"; Align-GVGD: "Not Available"). This variant has not been reported in the literature in individuals with WRN-related conditions. This variant is not present in population databases (ExAC no frequency). This sequence change replaces valine with alanine at codon 700 of the WRN protein (p.Val700Ala). The valine residue is weakly conserved and there is a small physicochemical difference between valine and alanine.

NM_000553.6(WRN):c.2099T>C (p.Val700Ala)

Gene: WRN (WRN RecQ like helicase; plus strand). Cytogenetic location: 8p12.
Variant type: single nucleotide variant.
Coding change: c.2099T>C on transcript NM_000553.6 (MANE Select); coding-DNA position 2099, T replaced by C.
Protein change: p.Val700Ala; replaces valine 700 with alanine.
Molecular consequence: missense variant.
Genome position (GRCh38, 1-based): chr8:31,111,625, T>C. VCF-style: chr8-31111625-T-C. GRCh37 (hg19) VCF-style: chr8-30969141-T-C.
Other names: short protein forms V700A.
Identifiers: ClinVar variation 1450456 (VCV001450456.6), dbSNP rs921289350, ClinGen allele CA174876934.